The following is an entry in ClinVar:

NM_001127208.3(TET2):c.803C>G (p.Ser268Trp)

Genes: TET2 (tet methylcytosine dioxygenase 2; plus strand), TET2-AS1 (TET2 antisense RNA 1; minus strand). Cytogenetic location: 4q24.
Variant type: single nucleotide variant.
Coding change: c.803C>G on transcript NM_001127208.3 (MANE Select); coding-DNA position 803, C replaced by G.
Protein change: p.Ser268Trp; replaces serine 268 with tryptophan.
Molecular consequence: missense variant.
Genome position (GRCh38, 1-based): chr4:105,234,745, C>G. VCF-style: chr4-105234745-C-G. GRCh37 (hg19) VCF-style: chr4-106155902-C-G.
Other names: c.803C>G, p.Ser268Trp (NM_017628.4); short protein forms S268W.
Identifiers: ClinVar variation 4709303 (VCV004709303.1).

ClinVar aggregate classification (germline): Uncertain significance (1 of 4 stars; one submission).

gnomAD v4.1: 31 of 1,613,832 alleles (0.0019%); highest among the groups gnomAD compares: Non-Finnish European, 0.0024%; no homozygotes.

Submission:

Labcorp Genetics (formerly Invitae), Labcorp
Classification: Uncertain significance. Last evaluated: 2026-01-01. Review status: criteria provided, single submitter. Criteria: Invitae Variant Classification Sherloc (09022015). Collection method: clinical testing. Allele origin: germline.
Comment: This sequence change replaces serine, which is neutral and polar, with tryptophan, which is neutral and slightly polar, at codon 268 of the TET2 protein (p.Ser268Trp). This variant is present in population databases (rs756747663, gnomAD 0.003%). This variant has not been reported in the literature in individuals affected with TET2-related conditions. An algorithm developed to predict the effect of missense changes on protein structure and function (PolyPhen-2) suggests that this variant is likely to be disruptive. In summary, the available evidence is currently insufficient to determine the role of this variant in disease. Therefore, it has been classified as a Variant of Uncertain Significance.